The following is an entry in ClinVar:

ClinVar aggregate classification (germline): Pathogenic (1 of 4 stars; one submission).

Submission:

Labcorp Genetics (formerly Invitae), Labcorp
Classification: Pathogenic. Last evaluated: 2025-04-17. Review status: criteria provided, single submitter. Criteria: Invitae Variant Classification Sherloc (09022015). Collection method: clinical testing. Allele origin: germline.
Comment: This sequence change creates a premature translational stop signal (p.Lys778Asnfs*5) in the RP1 gene. While this is not anticipated to result in nonsense mediated decay, it is expected to disrupt the last 1379 amino acid(s) of the RP1 protein. This variant is not present in population databases (gnomAD no frequency). This variant has not been reported in the literature in individuals affected with RP1-related conditions. ClinVar contains an entry for this variant (Variation ID: 1071351). This variant disrupts the C-terminus of the RP1 protein. Many variants that disrupt this region have been reported in individuals with either autosomal dominant or autosomal recessive retinitis pigmentosa (PMID: 11527933, 19933189, 29425069, 30027431, 33681214). Therefore, variants that disrupt this region are expected to be disease-causing. For these reasons, this variant has been classified as Pathogenic.

Literature cited by the submitters: PubMed 11527933; PubMed 19933189; PubMed 29425069; PubMed 30027431; PubMed 33681214.

NM_006269.2(RP1):c.2334del (p.Lys778fs)

Gene: RP1 (RP1 axonemal microtubule associated; plus strand). Cytogenetic location: 8q12.1.
Variant type: Deletion.
Coding change: c.2334del on transcript NM_006269.2 (MANE Select); coding-DNA position 2334, one base deleted (A; older notation c.2334delA).
Protein change: p.Lys778fs; shifts the reading frame from lysine 778.
Molecular consequence: frameshift variant. On other transcripts: intron variant (1).
Genome position (GRCh38, 1-based): chr8:54,626,216, A deleted; the last of 4 consecutive A bases (chr8:54,626,213-54,626,216); deleting any one gives the same sequence. VCF-style (leftmost placement, unchanged base first): chr8-54626212-GA-G. GRCh37 (hg19) VCF-style: chr8-55538772-GA-G.
Other names: c.787+3928del (NM_001375654.1); short protein forms K778fs.
Identifiers: ClinVar variation 1071351 (VCV001071351.9), dbSNP rs2129316562, ClinGen allele CA2499219350.